The following is an entry in ClinVar:

NM_004646.4(NPHS1):c.3482-3C>G

Gene: NPHS1 (NPHS1 adhesion molecule, nephrin; minus strand). Cytogenetic location: 19q13.12.
Variant type: single nucleotide variant.
Coding change: c.3482-3C>G on transcript NM_004646.4 (MANE Select); 3 bases into the intron before coding-DNA position 3482, C replaced by G.
Molecular consequence: intron variant.
Genome position (GRCh38, 1-based): chr19:35,830,959, G>C on the plus strand (C>G on the coding strand, the complement: NPHS1 is on the minus strand). VCF-style: chr19-35830959-G-C. GRCh37 (hg19) VCF-style: chr19-36321861-G-C.
Identifiers: ClinVar variation 2603917 (VCV002603917.2), dbSNP rs757131733, ClinGen allele CA9389729.

ClinVar aggregate classification (germline): Uncertain significance (1 of 4 stars; one submission).

Conditions:
Inborn genetic diseases. Identifiers: MedGen C0950123, MeSH D030342.

Allele frequency attached by ClinVar (database versions not stated): gnomAD exomes 0.00002; gnomAD 0.00003; TOPMed 0.00004; ExAC 0.00011.
gnomAD v4.1: 36 of 1,610,158 alleles (0.0022%); highest among the groups gnomAD compares: East Asian, 0.074%; no homozygotes.

Submission:

Ambry Genetics
Classification: Uncertain significance for Inborn genetic diseases. Last evaluated: 2023-08-22. Review status: criteria provided, single submitter. Criteria: Ambry Variant Classification Scheme 2023. Collection method: clinical testing. Allele origin: germline.
Comment: The c.3482-3C>G intronic alteration consists of a C to G substitution 3 nucleotides before exon 28 (coding exon 28) in the NPHS1 gene. Based on insufficient or conflicting evidence, the clinical significance of this alteration remains unclear.